The following is an entry in ClinVar:

NM_001378778.1(MPDZ):c.2649+3A>G

Gene: MPDZ (multiple PDZ domain crumbs cell polarity complex component; minus strand). Cytogenetic location: 9p23.
Variant type: single nucleotide variant.
Coding change: c.2649+3A>G on transcript NM_001378778.1 (MANE Select); 3 bases into the intron after coding-DNA position 2649, A replaced by G.
Molecular consequence: intron variant.
Genome position (GRCh38, 1-based): chr9:13,183,415, T>C on the plus strand (A>G on the coding strand, the complement: MPDZ is on the minus strand). VCF-style: chr9-13183415-T-C. GRCh37 (hg19) VCF-style: chr9-13183414-T-C.
Other names: c.2649+3A>G (NM_001375425.1, NM_001375420.1, NM_001375419.1 and 14 more transcripts).
Identifiers: ClinVar variation 1357330 (VCV001357330.6), dbSNP rs772864342, ClinGen allele CA4987403.

ClinVar aggregate classification (germline): Uncertain significance (1 of 4 stars; one submission).

Allele frequency attached by ClinVar (database versions not stated): gnomAD 0.00001; TOPMed 0.00001; ExAC 0.00002; gnomAD exomes 0.00002 and 0.00004.
gnomAD v4.1: 59 of 1,597,238 alleles (0.0037%); highest among the groups gnomAD compares: Middle Eastern, 0.017%; no homozygotes.

Submission:

Labcorp Genetics (formerly Invitae), Labcorp
Classification: Uncertain significance. Last evaluated: 2024-11-05. Review status: criteria provided, single submitter. Criteria: Invitae Variant Classification Sherloc (09022015). Collection method: clinical testing. Allele origin: germline.
Comment: This sequence change falls in intron 19 of the MPDZ gene. It does not directly change the encoded amino acid sequence of the MPDZ protein. It affects a nucleotide within the consensus splice site. This variant is present in population databases (rs772864342, gnomAD 0.004%). This variant has not been reported in the literature in individuals affected with MPDZ-related conditions. ClinVar contains an entry for this variant (Variation ID: 1357330). Variants that disrupt the consensus splice site are a relatively common cause of aberrant splicing (PMID: 17576681, 9536098). Algorithms developed to predict the effect of sequence changes on RNA splicing suggest that this variant may disrupt the consensus splice site. In summary, the available evidence is currently insufficient to determine the role of this variant in disease. Therefore, it has been classified as a Variant of Uncertain Significance.

Literature cited by the submitters: PubMed 17576681; PubMed 9536098.